The following is an entry in ClinVar:

NM_000484.4(APP):c.870G>T (p.Val290=)

Gene: APP (amyloid beta precursor protein; minus strand). Cytogenetic location: 21q21.3.
Variant type: single nucleotide variant.
Coding change: c.870G>T on transcript NM_000484.4 (MANE Select); coding-DNA position 870, G replaced by T.
Protein change: p.Val290=; no amino-acid change (valine 290 retained).
Molecular consequence: synonymous variant. On other transcripts: intron variant (5).
Genome position (GRCh38, 1-based): chr21:26,000,178, C>A on the plus strand (G>T on the coding strand, the complement: APP is on the minus strand). VCF-style: chr21-26000178-C-A. GRCh37 (hg19) VCF-style: chr21-27372493-C-A.
Other names: c.855G>T, p.Val285= (NM_001136016.3); c.702G>T, p.Val234= (NM_001136130.3); c.870G>T, p.Val290= (NM_001204301.2, NM_001204302.2, NM_201413.3); c.761-17701G>T (NM_001136131.3); c.698-17701G>T (NM_001136129.3); c.866-17701G>T (NM_001204303.2, NM_201414.3); c.866-2762G>T (NM_001385253.1).
Identifiers: ClinVar variation 4822905 (VCV004822905.4).

ClinVar aggregate classification (germline): Uncertain significance (1 of 4 stars; one submission).

gnomAD v4.1: 8 of 1,614,180 alleles (0.0005%); highest among the groups gnomAD compares: East Asian, 0.018%; no homozygotes.

Submission:

CeGaT Center for Human Genetics Tuebingen
Classification: Uncertain significance. Last evaluated: 2026-01-01. Review status: criteria provided, single submitter. Criteria: CeGaT Center For Human Genetics Tuebingen Variant Classification Criteria Version 2. Collection method: clinical testing. Allele origin: germline. Affected: yes. Observed: 1 variant allele.
Comment: APP: PM2, BP4